The following is an entry in ClinVar:

ClinVar aggregate classification (germline): Uncertain significance. Review status: criteria provided, multiple submitters, no conflicts (2 of 4 stars). 2 submissions from 2 submitters: Uncertain significance (2). Last evaluated 2025-11-10.

Allele frequency attached by ClinVar (database versions not stated): ExAC 0.00007; TOPMed 0.00007; gnomAD 0.00010.
gnomAD v4.1: 193 of 1,613,920 alleles (0.012%); highest among the groups gnomAD compares: Non-Finnish European, 0.015%; no homozygotes.

Submissions (2):

Labcorp Genetics (formerly Invitae), Labcorp
Classification: Uncertain significance. Last evaluated: 2025-11-10. Review status: criteria provided, single submitter. Criteria: Invitae Variant Classification Sherloc (09022015). Collection method: clinical testing. Allele origin: germline.
Comment: This sequence change replaces isoleucine, which is neutral and non-polar, with valine, which is neutral and non-polar, at codon 803 of the TOP2B protein (p.Ile803Val). This variant is present in population databases (rs530627462, gnomAD 0.01%). This variant has not been reported in the literature in individuals affected with TOP2B-related conditions. ClinVar contains an entry for this variant (Variation ID: 1980461). An algorithm developed to predict the effect of missense changes on protein structure and function (PolyPhen-2) suggests that this variant is likely to be tolerated. In summary, the available evidence is currently insufficient to determine the role of this variant in disease. Therefore, it has been classified as a Variant of Uncertain Significance.

Ambry Genetics
Classification: Uncertain significance. Last evaluated: 2021-08-06. Review status: criteria provided, single submitter. Criteria: Ambry Variant Classification Scheme 2023. Collection method: clinical testing. Allele origin: germline.

NM_001330700.2(TOP2B):c.2422A>G (p.Ile808Val)

Gene: TOP2B (DNA topoisomerase II beta; minus strand). Cytogenetic location: 3p24.2.
Variant type: single nucleotide variant.
Coding change: c.2422A>G on transcript NM_001330700.2 (MANE Select); coding-DNA position 2422, A replaced by G.
Protein change: p.Ile808Val; replaces isoleucine 808 with valine.
Molecular consequence: missense variant.
Genome position (GRCh38, 1-based): chr3:25,624,370, T>C on the plus strand (A>G on the coding strand, the complement: TOP2B is on the minus strand). VCF-style: chr3-25624370-T-C. GRCh37 (hg19) VCF-style: chr3-25665861-T-C.
Other names: c.2407A>G, p.Ile803Val (NM_001068.3); short protein forms I803V, I808V.
Identifiers: ClinVar variation 1980461 (VCV001980461.5), dbSNP rs530627462, ClinGen allele CA2288490.